The following is an entry in ClinVar:

ClinVar aggregate classification (germline): Uncertain significance. Review status: criteria provided, multiple submitters, no conflicts (2 of 4 stars). 4 submissions from 4 submitters: Uncertain significance (3). 1 of the submissions does not count toward it. Last evaluated 2024-08-09.

Conditions:
Hereditary cancer-predisposing syndrome. Also called: Hereditary neoplastic syndrome; Tumor predisposition; Neoplastic Syndromes, Hereditary; Hereditary Cancer Syndrome. Identifiers: Orphanet 140162, MedGen C0027672, MeSH D009386, MONDO:0015356.
Familial thoracic aortic aneurysm and aortic dissection (TAAD). Also called: Thoracic aortic aneurysms and dissections. Identifiers: Orphanet 91387, MedGen C4707243, MONDO:0019625.
Juvenile polyposis syndrome (JPS). Identifiers: Orphanet 2929, MedGen C0345893, MONDO:0017380, OMIM 174900.
Juvenile polyposis/hereditary hemorrhagic telangiectasia syndrome (JPHT). Also called: Juvenile Polyposis Syndrome / Hereditary Hemorrhagic Telangiectasia (JPS/HHT); JP/HHT SYNDROME; JUVENILE POLYPOSIS WITH HEREDITARY HEMORRHAGIC TELANGIECTASIA; POLYPOSIS, GENERALIZED JUVENILE, WITH PULMONARY ARTERIOVENOUS MALFORMATION; TELANGIECTASIA, HEREDITARY HEMORRHAGIC, WITH JUVENILE POLYPOSIS COLI. Identifiers: Orphanet 2929, MedGen C1832942, MONDO:0008278, OMIM 175050.

Submissions (4):

Ambry Genetics
Classification: Uncertain significance for Hereditary cancer-predisposing syndrome; Familial thoracic aortic aneurysm and aortic dissection. Last evaluated: 2024-08-09. Review status: criteria provided, single submitter. Criteria: Ambry Variant Classification Scheme 2023. Collection method: clinical testing. Allele origin: germline.
Comment: The p.W302R variant (also known as c.904T>C), located in coding exon 6 of the SMAD4 gene, results from a T to C substitution at nucleotide position 904. The tryptophan at codon 302 is replaced by arginine, an amino acid with dissimilar properties. This amino acid position is highly conserved in available vertebrate species. In addition, this alteration is predicted to be deleterious by in silico analysis. Based on the available evidence, the clinical significance of this variant remains unclear.

Myriad Genetics, Inc.
Classification: Uncertain significance for Juvenile polyposis/hereditary hemorrhagic telangiectasia syndrome. Last evaluated: 2023-04-10. Review status: criteria provided, single submitter. Criteria: Myriad Autosomal Dominant, Autosomal Recessive and X-Linked Classification Criteria (2023). Collection method: clinical testing. Allele origin: unknown.
Comment: This variant is classified as a variant of uncertain significance as there is insufficient evidence to determine its impact on protein function and/or cancer risk.

Labcorp Genetics (formerly Invitae), Labcorp
Classification: Uncertain significance for Juvenile polyposis syndrome. Last evaluated: 2023-03-20. Review status: criteria provided, single submitter. Criteria: Invitae Variant Classification Sherloc (09022015). Collection method: clinical testing. Allele origin: germline.
Comment: An algorithm developed to predict the effect of missense changes on protein structure and function (PolyPhen-2) suggests that this variant is likely to be tolerated. This sequence change replaces tryptophan, which is neutral and slightly polar, with arginine, which is basic and polar, at codon 302 of the SMAD4 protein (p.Trp302Arg). This variant is not present in population databases (gnomAD no frequency). This variant has not been reported in the literature in individuals affected with SMAD4-related conditions. ClinVar contains an entry for this variant (Variation ID: 548728). In summary, the available evidence is currently insufficient to determine the role of this variant in disease. Therefore, it has been classified as a Variant of Uncertain Significance.

Counsyl
Classification: Uncertain significance for Juvenile polyposis syndrome. Last evaluated: 2017-02-13. Review status: no assertion criteria provided. Collection method: clinical testing. Allele origin: unknown. Not counted in ClinVar's aggregate classification.

Literature cited by the submitters: PubMed 27023170 (cited by Counsyl).

NM_005359.6(SMAD4):c.904T>C (p.Trp302Arg)

Gene: SMAD4 (SMAD family member 4; plus strand). Cytogenetic location: 18q21.2.
Variant type: single nucleotide variant.
Coding change: c.904T>C on transcript NM_005359.6 (MANE Select); coding-DNA position 904, T replaced by C.
Protein change: p.Trp302Arg; replaces tryptophan 302 with arginine.
Molecular consequence: missense variant.
Genome position (GRCh38, 1-based): chr18:51,058,456, T>C. VCF-style: chr18-51058456-T-C. GRCh37 (hg19) VCF-style: chr18-48584826-T-C.
Other names: short protein forms W302R.
Identifiers: ClinVar variation 548728 (VCV000548728.7), dbSNP rs1555685979, ClinGen allele CA402463620.